The following is an entry in ClinVar:

NM_000492.4(CFTR):c.1141A>T (p.Lys381Ter)

Gene: CFTR (CF transmembrane conductance regulator; plus strand). Cytogenetic location: 7q31.2.
Variant type: single nucleotide variant.
Coding change: c.1141A>T on transcript NM_000492.4 (MANE Select); coding-DNA position 1141, A replaced by T.
Protein change: p.Lys381Ter; replaces lysine 381 with a stop codon.
Molecular consequence: nonsense.
Genome position (GRCh38, 1-based): chr7:117,542,040, A>T. VCF-style: chr7-117542040-A-T. GRCh37 (hg19) VCF-style: chr7-117182094-A-T.
Other names: short protein forms K381*.
Identifiers: ClinVar variation 492871 (VCV000492871.6), dbSNP rs1554381605, ClinGen allele CA368979924.

ClinVar aggregate classification (germline): Pathogenic/Likely pathogenic. Review status: criteria provided, multiple submitters, no conflicts (2 of 4 stars). 5 submissions from 5 submitters: Pathogenic (2); Likely pathogenic (2). 1 of the submissions does not count toward it. Last evaluated 2025-10-26.

Conditions:
Cystic fibrosis (CF). Also called: MUCOVISCIDOSIS. Identifiers: Orphanet 586, MedGen C0010674, MONDO:0009061, OMIM 219700. Disease mechanism: loss of function.
Congenital bilateral aplasia of vas deferens from CFTR mutation (CBAVD). Identifiers: Orphanet 48, MedGen C0403814, MONDO:0010178, OMIM 277180. Disease mechanism: loss of function.
CFTR-related disorder (CFTR-RD). Also called: CFTR-related disorders; CFTR-related condition. Identifiers: MedGen C5924204, MONDO:7770004.

Allele frequency attached by ClinVar (database versions not stated): TOPMed below 0.00001.

Submissions (5):

Labcorp Genetics (formerly Invitae), Labcorp
Classification: Pathogenic for Cystic fibrosis. Last evaluated: 2025-10-26. Review status: criteria provided, single submitter. Criteria: Invitae Variant Classification Sherloc (09022015). Collection method: clinical testing. Allele origin: germline.
Comment: This sequence change creates a premature translational stop signal (p.Lys381*) in the CFTR gene. It is expected to result in an absent or disrupted protein product. Loss-of-function variants in CFTR are known to be pathogenic (PMID: 1695717, 7691345, 9725922). This variant is not present in population databases (gnomAD no frequency). This variant has not been reported in the literature in individuals affected with CFTR-related conditions. ClinVar contains an entry for this variant (Variation ID: 492871). For these reasons, this variant has been classified as Pathogenic.

Natera, Inc.
Classification: Likely pathogenic for CFTR-related disorders. Last evaluated: 2025-06-16. Review status: criteria provided, single submitter. Criteria: Natera Variant Classification Schema (03/2026). Collection method: clinical testing. Allele origin: germline.
Comment: The c.1141A>T variant in CFTR is a nonsense variant predicted to introduce a stop codon at amino acid 381. This variant is expected to result in nonsense mediated decay, truncation, or a dysfunctional protein product. This variant is rare in the general population with a frequency below the threshold expected for the associated phenotype(s). Given the available evidence, this variant is classified as Likely Pathogenic.

Ambry Genetics
Classification: Pathogenic for Cystic fibrosis. Last evaluated: 2017-10-02. Review status: criteria provided, single submitter. Criteria: Ambry Variant Classification Scheme 2023. Collection method: clinical testing. Allele origin: germline.
Comment: The p.K381* pathogenic mutation (also known as c.1141A>T), located in coding exon 9 of the CFTR gene, results from an A to T substitution at nucleotide position 1141. This changes the amino acid from a lysine to a stop codon within coding exon 9. This alteration is expected to result in loss of function by premature protein truncation or nonsense-mediated mRNA decay. As such, this alteration is interpreted as a disease-causing mutation.

Baylor Genetics
Classification: Likely pathogenic for Congenital bilateral aplasia of vas deferens from CFTR mutation; Cystic fibrosis. Review status: criteria provided, single submitter. Criteria: ACMG Guidelines, 2015. Collection method: clinical testing. Allele origin: germline.

Clinical Molecular Genetics Laboratory, Johns Hopkins All Children's Hospital
Classification: Pathogenic for Cystic fibrosis. Last evaluated: 2015-10-29. Review status: no assertion criteria provided. Collection method: clinical testing. Allele origin: germline. Affected: yes. Not counted in ClinVar's aggregate classification.

Literature cited by the submitters: PubMed 1695717 (cited by Labcorp Genetics (formerly Invitae), Labcorp); PubMed 7691345 (cited by Labcorp Genetics (formerly Invitae), Labcorp); PubMed 9725922 (cited by Labcorp Genetics (formerly Invitae), Labcorp).